The following is an entry in ClinVar:

NM_000088.4(COL1A1):c.1201G>A (p.Gly401Ser)

Gene: COL1A1 (collagen type I alpha 1 chain; minus strand). Cytogenetic location: 17q21.33.
Variant type: single nucleotide variant.
Coding change: c.1201G>A on transcript NM_000088.4 (MANE Select); coding-DNA position 1201, G replaced by A.
Protein change: p.Gly401Ser; replaces glycine 401 with serine.
Molecular consequence: missense variant.
Genome position (GRCh38, 1-based): chr17:50,195,330, C>T on the plus strand (G>A on the coding strand, the complement: COL1A1 is on the minus strand). VCF-style: chr17-50195330-C-T. GRCh37 (hg19) VCF-style: chr17-48272691-C-T.
Other names: c.1201G>A (LRG_1t1); short protein forms G401S.
Identifiers: ClinVar variation 425596 (VCV000425596.6), dbSNP rs72648322, ClinGen allele CA400218987.

ClinVar aggregate classification (germline): Pathogenic. Review status: criteria provided, single submitter (1 of 4 stars). 2 submissions from 2 submitters: Pathogenic (1). 1 of the submissions does not count toward it. Last evaluated 2022-05-27.

Conditions:
Osteogenesis imperfecta with normal sclerae, dominant form (OI4). Also called: OSTEOGENESIS IMPERFECTA, TYPE IV, WITH DENTINOGENESIS IMPERFECTA; Osteogenesis Imperfecta Type IV; Osteogenesis imperfecta type 4; OSTEOGENESIS IMPERFECTA WITH NORMAL SCLERAE; Common Variable Osteogenesis Imperfecta with Normal Sclerae. Identifiers: Orphanet 216820, Orphanet 666, MedGen C0268363, MONDO:0008148, OMIM 166220.
Osteogenesis imperfecta type I (OI1). Also called: Lobstein's Disease; Lobstein disease; Osteogenesis imperfecta type 1; OI, TYPE I; OSTEOGENESIS IMPERFECTA TARDA; OSTEOGENESIS IMPERFECTA WITH BLUE SCLERAE. Identifiers: Orphanet 216796, Orphanet 666, MedGen C0023931, MONDO:0008146, OMIM 166200. Disease mechanism: loss of function.

Submissions (2):

Labcorp Genetics (formerly Invitae), Labcorp
Classification: Pathogenic for Osteogenesis imperfecta type I. Last evaluated: 2022-05-27. Review status: criteria provided, single submitter. Criteria: Invitae Variant Classification Sherloc (09022015). Collection method: clinical testing. Allele origin: germline.
Comment: This variant disrupts the triple helix domain of COL1A1. Glycine residues within the Gly-Xaa-Yaa repeats of the triple helix domain are required for the structure and stability of fibrillar collagens (PMID: 7695699, 8218237, 19344236). In COL1A1, variants affecting these glycine residues are significantly enriched in individuals with disease (PMID: 9016532, 17078022) compared to the general population (ExAC). For these reasons, this variant has been classified as Pathogenic. Studies have shown that this missense change does not affect mRNA splicing (PMID: 31737030). Algorithms developed to predict the effect of missense changes on protein structure and function are either unavailable or do not agree on the potential impact of this missense change (SIFT: "Deleterious"; PolyPhen-2: "Not Available"; Align-GVGD: "Class C55"). ClinVar contains an entry for this variant (Variation ID: 425596). This missense change has been observed in individual(s) with osteogenesis imperfecta (PMID: 26177859, 30715774, 31737030). This variant is not present in population databases (gnomAD no frequency). This sequence change replaces glycine, which is neutral and non-polar, with serine, which is neutral and polar, at codon 401 of the COL1A1 protein (p.Gly401Ser).

Department of Medical Sciences, Uppsala University
Classification: Pathogenic for OI type IV. Review status: no assertion criteria provided. Collection method: clinical testing. Allele origin: maternal. Affected: yes. Observed: 1 variant allele. Not counted in ClinVar's aggregate classification.

Literature cited by the submitters: PubMed 7695699 (cited by Labcorp Genetics (formerly Invitae), Labcorp); PubMed 8218237 (cited by Labcorp Genetics (formerly Invitae), Labcorp); PubMed 19344236 (cited by Labcorp Genetics (formerly Invitae), Labcorp); PubMed 9016532 (cited by Labcorp Genetics (formerly Invitae), Labcorp); PubMed 17078022 (cited by Labcorp Genetics (formerly Invitae), Labcorp); PubMed 31737030 (cited by Labcorp Genetics (formerly Invitae), Labcorp); PubMed 26177859 (cited by Labcorp Genetics (formerly Invitae), Labcorp); PubMed 30715774 (cited by Labcorp Genetics (formerly Invitae), Labcorp); PubMed 25944380 (cited by Department of Medical Sciences, Uppsala University).